The following is an entry in ClinVar:

ClinVar aggregate classification (germline): Uncertain significance (1 of 4 stars; one submission).

gnomAD v4.1: 2 of 1,604,396 alleles (0.00012%); highest among the groups gnomAD compares: South Asian, 0.0011%; no homozygotes.

Submission:

Laboratorio de Genetica e Diagnostico Molecular, Hospital Israelita Albert Einstein
Classification: Uncertain significance. Last evaluated: 2021-11-17. Review status: criteria provided, single submitter. Criteria: ACMG Guidelines, 2015. Collection method: clinical testing. Allele origin: germline. Affected: yes.
Comment: ACMG classification criteria: PM2, BP4

NM_001271.4(CHD2):c.443A>C (p.Gln148Pro)

Gene: CHD2 (chromodomain helicase DNA binding protein 2; plus strand). Cytogenetic location: 15q26.1.
Variant type: single nucleotide variant.
Coding change: c.443A>C on transcript NM_001271.4 (MANE Select); coding-DNA position 443, A replaced by C.
Protein change: p.Gln148Pro; replaces glutamine 148 with proline.
Molecular consequence: missense variant.
Genome position (GRCh38, 1-based): chr15:92,929,091, A>C. VCF-style: chr15-92929091-A-C. GRCh37 (hg19) VCF-style: chr15-93472321-A-C.
Other names: c.443A>C, p.Gln148Pro (NM_001042572.3); short protein forms Q148P.
Identifiers: ClinVar variation 1690493 (VCV001690493.2), dbSNP rs2141755353, ClinGen allele CA393897706.